The following is an entry in ClinVar:

NM_001164277.2(SLC37A4):c.1103T>C (p.Ile368Thr)

Gene: SLC37A4 (solute carrier family 37 member 4; minus strand). Cytogenetic location: 11q23.3.
Variant type: single nucleotide variant.
Coding change: c.1103T>C on transcript NM_001164277.2 (MANE Select); coding-DNA position 1103, T replaced by C.
Protein change: p.Ile368Thr; replaces isoleucine 368 with threonine.
Molecular consequence: missense variant.
Genome position (GRCh38, 1-based): chr11:119,025,211, A>G on the plus strand (T>C on the coding strand, the complement: SLC37A4 is on the minus strand). VCF-style: chr11-119025211-A-G. GRCh37 (hg19) VCF-style: chr11-118895921-A-G.
Other names: p.Ile368Thr; c.1169T>C, p.Ile390Thr (NM_001164278.2); c.884T>C, p.Ile295Thr (NM_001164279.2); c.1103T>C, p.Ile368Thr (NM_001164280.2, NM_001467.6); short protein forms I390T, I295T, I368T.
Identifiers: ClinVar variation 972052 (VCV000972052.6), dbSNP rs370696612, ClinGen allele CA229596067.

ClinVar aggregate classification (germline): Uncertain significance. Review status: criteria provided, multiple submitters, no conflicts (2 of 4 stars). 3 submissions from 3 submitters: Uncertain significance (2). 1 of the submissions does not count toward it. Last evaluated 2025-08-31.

Conditions:
Glucose-6-phosphate transport defect (GSD1B). Also called: Glycogen Storage Disease Type Ib; GSD Ib. Identifiers: Orphanet 364, Orphanet 79259, MedGen C0268146, MONDO:0009288, OMIM 232220.

Allele frequency attached by ClinVar (database versions not stated): gnomAD exomes below 0.00001 and 0.00001; gnomAD 0.00001; TOPMed 0.00002; ESP Exome Variant Server 0.00008.

Submissions (3):

Labcorp Genetics (formerly Invitae), Labcorp
Classification: Uncertain significance for Glucose-6-phosphate transport defect. Last evaluated: 2025-08-31. Review status: criteria provided, single submitter. Criteria: Invitae Variant Classification Sherloc (09022015). Collection method: clinical testing. Allele origin: germline.
Comment: This sequence change replaces isoleucine, which is neutral and non-polar, with threonine, which is neutral and polar, at codon 368 of the SLC37A4 protein (p.Ile368Thr). This variant is present in population databases (rs370696612, gnomAD 0.007%). This variant has not been reported in the literature in individuals affected with SLC37A4-related conditions. ClinVar contains an entry for this variant (Variation ID: 972052). Invitae Evidence Modeling of protein sequence and biophysical properties (such as structural, functional, and spatial information, amino acid conservation, physicochemical variation, residue mobility, and thermodynamic stability) indicates that this missense variant is not expected to disrupt SLC37A4 protein function with a negative predictive value of 80%. In summary, the available evidence is currently insufficient to determine the role of this variant in disease. Therefore, it has been classified as a Variant of Uncertain Significance.

Mayo Clinic Laboratories, Mayo Clinic
Classification: Uncertain significance. Last evaluated: 2024-04-04. Review status: criteria provided, single submitter. Criteria: ACMG Guidelines, 2015. Collection method: clinical testing. Allele origin: germline. Observed: 1 variant allele.

Natera, Inc.
Classification: Uncertain significance for Glycogen storage disease type Ib. Last evaluated: 2020-09-22. Review status: no assertion criteria provided. Collection method: clinical testing. Allele origin: germline. Not counted in ClinVar's aggregate classification.